The following is an entry in ClinVar:

ClinVar aggregate classification (germline): Uncertain significance (1 of 4 stars; one submission).

Conditions:
Neuroblastoma, susceptibility to, 3. Also called: ALK-Related Neuroblastic Tumor Susceptibility. Identifiers: Orphanet 635, MedGen C2751681, MONDO:0013083, OMIM 613014.

Submission:

Labcorp Genetics (formerly Invitae), Labcorp
Classification: Uncertain significance for Neuroblastoma, susceptibility to, 3. Last evaluated: 2022-03-28. Review status: criteria provided, single submitter. Criteria: Invitae Variant Classification Sherloc (09022015). Collection method: clinical testing. Allele origin: germline.
Comment: In summary, the available evidence is currently insufficient to determine the role of this variant in disease. Therefore, it has been classified as a Variant of Uncertain Significance. Experimental studies and prediction algorithms are not available or were not evaluated, and the functional significance of this variant is currently unknown. This variant has not been reported in the literature in individuals affected with ALK-related conditions. This variant is not present in population databases (gnomAD no frequency). This sequence change creates a premature translational stop signal (p.Pro693Serfs*77) in the ALK gene. It is expected to result in an absent or disrupted protein product. However, the current clinical and genetic evidence is not sufficient to establish whether loss-of-function variants in ALK cause disease.

NM_004304.5(ALK):c.2076_2077insT (p.Pro693fs)

Gene: ALK (ALK receptor tyrosine kinase; minus strand). Cytogenetic location: 2p23.2.
Variant type: Insertion.
Coding change: c.2076_2077insT on transcript NM_004304.5 (MANE Select); coding-DNA positions 2076 to 2077, T inserted.
Protein change: p.Pro693fs; shifts the reading frame from proline 693.
Molecular consequence: frameshift variant.
Genome position: GRCh38 VCF-style: chr2-29251232-G-GA. GRCh37 (hg19) VCF-style: chr2-29474098-G-GA.
Other names: short protein forms P693fs.
Identifiers: ClinVar variation 2118667 (VCV002118667.4), dbSNP rs2465291214, ClinGen allele CA2580066329.